The following is an entry in ClinVar:

ClinVar aggregate classification (germline): Uncertain significance. Review status: criteria provided, multiple submitters, no conflicts (2 of 4 stars). 3 submissions from 3 submitters: Uncertain significance (3). Last evaluated 2023-12-30.

Conditions:
Arrhythmogenic right ventricular dysplasia 8 (ARVD8). Also called: Arrhythmogenic Right Ventricular Dysplasia/Cardiomyopathy 8; ARRHYTHMOGENIC RIGHT VENTRICULAR DYSPLASIA, FAMILIAL, 8; ARRHYTHMOGENIC RIGHT VENTRICULAR CARDIOMYOPATHY 8. Identifiers: MedGen C1843896, MONDO:0011831, OMIM 607450.
Arrhythmogenic cardiomyopathy with wooly hair and keratoderma. Also called: PALMOPLANTAR KERATODERMA WITH LEFT VENTRICULAR CARDIOMYOPATHY AND WOOLLY HAIR; Carvajal syndrome; Dilated cardiomyopathy with woolly hair and keratoderma; Arrhythmogenic cardiomyopathy with woolly hair and keratoderma. Identifiers: Orphanet 65282, MedGen C1854063, MONDO:0011581, OMIM 605676.
Cardiovascular phenotype. Identifiers: MedGen CN230736.

Submissions (3):

Labcorp Genetics (formerly Invitae), Labcorp
Classification: Uncertain significance for Arrhythmogenic cardiomyopathy with wooly hair and keratoderma; Arrhythmogenic right ventricular dysplasia 8. Last evaluated: 2023-12-30. Review status: criteria provided, single submitter. Criteria: Invitae Variant Classification Sherloc (09022015). Collection method: clinical testing. Allele origin: germline.
Comment: This sequence change replaces lysine, which is basic and polar, with glutamic acid, which is acidic and polar, at codon 2494 of the DSP protein (p.Lys2494Glu). This variant is not present in population databases (gnomAD no frequency). This variant has not been reported in the literature in individuals affected with DSP-related conditions. An algorithm developed to predict the effect of missense changes on protein structure and function (PolyPhen-2) suggests that this variant is likely to be tolerated. In summary, the available evidence is currently insufficient to determine the role of this variant in disease. Therefore, it has been classified as a Variant of Uncertain Significance.

Ambry Genetics
Classification: Uncertain significance for Cardiovascular phenotype. Last evaluated: 2023-12-08. Review status: criteria provided, single submitter. Criteria: Ambry Variant Classification Scheme 2023. Collection method: clinical testing. Allele origin: germline.
Comment: The p.K2494E variant (also known as c.7480A>G), located in coding exon 24 of the DSP gene, results from an A to G substitution at nucleotide position 7480. The lysine at codon 2494 is replaced by glutamic acid, an amino acid with similar properties. This amino acid position is poorly conserved in available vertebrate species. In addition, this alteration is predicted to be tolerated by in silico analysis. Since supporting evidence is limited at this time, the clinical significance of this alteration remains unclear.

All of Us Research Program, National Institutes of Health
Classification: Uncertain significance for Arrhythmogenic cardiomyopathy with wooly hair and keratoderma. Last evaluated: 2023-11-02. Review status: criteria provided, single submitter. Criteria: ACMG Guidelines, 2015. Collection method: clinical testing. Allele origin: germline. Inheritance: Autosomal dominant inheritance. Observed: 1 variant allele, 1 heterozygote.
Comment: This missense variant replaces lysine with glutamic acid at codon 2494 of the DSP protein. Computational prediction suggests that this variant may not impact protein structure and function (internally defined REVEL score threshold <= 0.5, PMID: 27666373). To our knowledge, functional studies have not been reported for this variant. This variant has not been reported in individuals affected with DSP-related disorders in the literature. This variant has not been identified in the general population by the Genome Aggregation Database (gnomAD). The available evidence is insufficient to determine the role of this variant in disease conclusively. Therefore, this variant is classified as a Variant of Uncertain Significance.

This study involves interpretation of variants in research participants for the purpose of population health screening. Participant phenotype was not available at the time of variant classification. Additional details can be found in publication PMID: 35346344, PMCID: PMC8962531

NM_004415.4(DSP):c.7480A>G (p.Lys2494Glu)

Gene: DSP (desmoplakin; plus strand). Cytogenetic location: 6p24.3.
Variant type: single nucleotide variant.
Coding change: c.7480A>G on transcript NM_004415.4 (MANE Select); coding-DNA position 7480, A replaced by G.
Protein change: p.Lys2494Glu; replaces lysine 2494 with glutamic acid.
Molecular consequence: missense variant.
Genome position (GRCh38, 1-based): chr6:7,584,742, A>G. VCF-style: chr6-7584742-A-G. GRCh37 (hg19) VCF-style: chr6-7584975-A-G.
Other names: c.5683A>G, p.Lys1895Glu (NM_001008844.3); c.6151A>G, p.Lys2051Glu (NM_001319034.2); short protein forms K1895E, K2051E, K2494E.
Identifiers: ClinVar variation 2938876 (VCV002938876.5), dbSNP rs2533946038, ClinGen allele CA362693104.